The following is an entry in ClinVar:

ClinVar aggregate classification (germline): Uncertain significance. Review status: criteria provided, multiple submitters, no conflicts (2 of 4 stars). 2 submissions from 2 submitters: Uncertain significance (2). Last evaluated 2024-06-10.

Conditions:
Inborn genetic diseases. Identifiers: MedGen C0950123, MeSH D030342.
Cranioectodermal dysplasia 1 (CED1). Also called: LEVIN SYNDROME I. Identifiers: Orphanet 1515, MedGen C0432235, MONDO:0021093, OMIM 218330.

gnomAD v4.1: 6 of 1,614,060 alleles (0.00037%); highest among the groups gnomAD compares: Middle Eastern, 0.016%; no homozygotes.

Submissions (2):

Ambry Genetics
Classification: Uncertain significance for Inborn genetic diseases. Last evaluated: 2024-06-10. Review status: criteria provided, single submitter. Criteria: Ambry Variant Classification Scheme 2023. Collection method: clinical testing. Allele origin: germline.

Labcorp Genetics (formerly Invitae), Labcorp
Classification: Uncertain significance for Cranioectodermal dysplasia 1. Last evaluated: 2021-04-23. Review status: criteria provided, single submitter. Criteria: Invitae Variant Classification Sherloc (09022015). Collection method: clinical testing. Allele origin: germline.
Comment: In summary, the available evidence is currently insufficient to determine the role of this variant in disease. Therefore, it has been classified as a Variant of Uncertain Significance. Algorithms developed to predict the effect of missense changes on protein structure and function are either unavailable or do not agree on the potential impact of this missense change (SIFT: "Deleterious"; PolyPhen-2: "Probably Damaging"; Align-GVGD: "Class C0"). This variant has not been reported in the literature in individuals with IFT122-related conditions. This variant is not present in population databases (ExAC no frequency). This sequence change replaces threonine with methionine at codon 377 of the IFT122 protein (p.Thr377Met). The threonine residue is highly conserved and there is a moderate physicochemical difference between threonine and methionine.

NM_052989.3(IFT122):c.977C>T (p.Thr326Met)

Gene: IFT122 (intraflagellar transport 122; plus strand). Cytogenetic location: 3q21.3.
Variant type: single nucleotide variant.
Coding change: c.977C>T on transcript NM_052989.3 (MANE Select); coding-DNA position 977, C replaced by T.
Protein change: p.Thr326Met; replaces threonine 326 with methionine.
Molecular consequence: missense variant.
Genome position (GRCh38, 1-based): chr3:129,476,475, C>T. VCF-style: chr3-129476475-C-T. GRCh37 (hg19) VCF-style: chr3-129195318-C-T.
Other names: c.644C>T, p.Thr215Met (NM_052990.3); c.1130C>T (NM_052985.2); c.953C>T, p.Thr318Met (NM_001280541.2); c.527C>T, p.Thr176Met (NM_001280545.2); c.350C>T, p.Thr117Met (NM_001280546.2); c.800C>T, p.Thr267Met (NM_018262.4); c.1130C>T, p.Thr377Met (NM_052985.4); short protein forms T215M, T318M, T377M, T176M, T267M, T326M, T117M.
Identifiers: ClinVar variation 1443184 (VCV001443184.9), dbSNP rs1389723772, ClinGen allele CA354472891.